The following is an entry in ClinVar:

ClinVar aggregate classification (germline): Uncertain significance (1 of 4 stars; one submission).

Submission:

GeneDx
Classification: Uncertain significance. Last evaluated: 2025-03-15. Review status: criteria provided, single submitter. Criteria: GeneDx Variant Classification Process June 2021. Collection method: clinical testing. Allele origin: germline. Affected: yes.
Comment: Not observed at significant frequency in large population cohorts (gnomAD); In silico analysis supports that this missense variant has a deleterious effect on protein structure/function; Has not been previously published as pathogenic or benign to our knowledge

NM_006494.4(ERF):c.94T>C (p.Phe32Leu)

Gene: ERF (ETS2 repressor factor; minus strand). Cytogenetic location: 19q13.2.
Variant type: single nucleotide variant.
Coding change: c.94T>C on transcript NM_006494.4 (MANE Select); coding-DNA position 94, T replaced by C.
Protein change: p.Phe32Leu; replaces phenylalanine 32 with leucine.
Molecular consequence: missense variant. On other transcripts: 5 prime UTR variant (3).
Genome position (GRCh38, 1-based): chr19:42,250,494, A>G on the plus strand (T>C on the coding strand, the complement: ERF is on the minus strand). VCF-style: chr19-42250494-A-G. GRCh37 (hg19) VCF-style: chr19-42754646-A-G.
Other names: c.-132T>C (NM_001301035.2, NM_001308402.2, NM_001312656.2); short protein forms F32L.
Identifiers: ClinVar variation 1314242 (VCV001314242.3), dbSNP rs2146952086, ClinGen allele CA406115659.
Genomic context (GRCh38, chr19:42,250,494, plus strand): 5'-AGTCCCCCTGCCAGGCAATGACGCCCTGGTACTCCTCCTTCCGCAGCAGCTCCAGGATAA[A>G]GTGCCACAGCTGGATCTGCCTTGAGCCAGGGGACGACTCTGGCTTGTAGGCCCAATCCGG-3'
Protein context (NP_006485.2, residues 22-42): PGSRQIQLWH[Phe32Leu]ILELLRKEEY